The following is an entry in ClinVar:

NM_001128178.3(NPHP1):c.843A>G (p.Ser281=)

Gene: NPHP1 (nephrocystin 1; minus strand). Cytogenetic location: 2q13.
Variant type: single nucleotide variant.
Coding change: c.843A>G on transcript NM_001128178.3 (MANE Select); coding-DNA position 843, A replaced by G.
Protein change: p.Ser281=; no amino-acid change (serine 281 retained).
Molecular consequence: synonymous variant.
Genome position (GRCh38, 1-based): chr2:110,163,064, T>C on the plus strand (A>G on the coding strand, the complement: NPHP1 is on the minus strand). VCF-style: chr2-110163064-T-C. GRCh37 (hg19) VCF-style: chr2-110920641-T-C.
Other names: c.1011A>G (NM_000272.3); c.1011A>G, p.Ser337= (NM_000272.5); c.654A>G, p.Ser218= (NM_001128179.3); c.840A>G, p.Ser280= (NM_001374256.1); c.843A>G, p.Ser281= (NM_001374257.1); c.1008A>G, p.Ser336= (NM_207181.4).
Identifiers: ClinVar variation 2156264 (VCV002156264.5), dbSNP rs1247543697, ClinGen allele CA427918706.

ClinVar aggregate classification (germline): Likely benign. Review status: criteria provided, multiple submitters, no conflicts (2 of 4 stars). 2 submissions from 2 submitters: Likely benign (2). Last evaluated 2026-04-28.

Conditions:
NPHP1-related disorder. Also called: NPHP1-related condition; NPHP1-related disorders.
Nephronophthisis. Also called: Juvenile Nephronophthisis. Identifiers: Orphanet 655, MedGen C0687120, MONDO:0019005, HP:0000090.

Allele frequency attached by ClinVar (database versions not stated): gnomAD 0.00003; TOPMed 0.00005.
gnomAD v4.1: 6 of 1,612,492 alleles (0.00037%); highest among the groups gnomAD compares: Admixed American, 0.0083%; no homozygotes.

Submissions (2):

PreventionGenetics, part of Exact Sciences
Classification: Likely benign for NPHP1-related condition. Last evaluated: 2026-04-28. Review status: criteria provided, single submitter. Criteria: ACMG Guidelines, 2015. Collection method: clinical testing. Allele origin: germline.
Comment: This variant is classified as likely benign based on ACMG/AMP sequence variant interpretation guidelines (Richards et al. 2015 PMID: 25741868, with internal and published modifications).

Labcorp Genetics (formerly Invitae), Labcorp
Classification: Likely benign for Nephronophthisis. Last evaluated: 2025-03-31. Review status: criteria provided, single submitter. Criteria: Invitae Variant Classification Sherloc (09022015). Collection method: clinical testing. Allele origin: germline.